The following is an entry in ClinVar:

ClinVar aggregate classification (germline): Likely pathogenic (1 of 4 stars; one submission).

Conditions:
Epilepsy, progressive myoclonic, 11. Identifiers: MedGen C5394362, MONDO:0030034, OMIM 618876.

Submission:

Pediatrics, Sichuan Provincial Hospital For Women And Children
Classification: Likely pathogenic for Epilepsy, progressive myoclonic, 11. Review status: criteria provided, single submitter. Criteria: ACMG Guidelines, 2015. Collection method: clinical testing. Allele origin: maternal. Inheritance: Autosomal dominant inheritance. Affected: yes. Observed: 1 heterozygote.
Comment: This variant is preliminarily classified as Likely Pathogenic (PVS1 + PM2_Supporting): PVS1: The variant is a null variant (splicing mutation) that may lead to loss of gene function. PM2_Supporting: The variant is absent or has an extremely low frequency in population databases (e.g., gnomAD).

NM_032108.4(SEMA6B):c.1680-2A>G

Gene: SEMA6B (semaphorin 6B; minus strand). Cytogenetic location: 19p13.3.
Variant type: single nucleotide variant.
Coding change: c.1680-2A>G on transcript NM_032108.4 (MANE Select); the canonical splice acceptor site of the intron before coding-DNA position 1680, A replaced by G.
Molecular consequence: splice acceptor variant.
Genome position (GRCh38, 1-based): chr19:4,546,276, T>C on the plus strand (A>G on the coding strand, the complement: SEMA6B is on the minus strand). VCF-style: chr19-4546276-T-C. GRCh37 (hg19) VCF-style: chr19-4546288-T-C.
Identifiers: ClinVar variation 3777724 (VCV003777724.1).